The following is an entry in ClinVar:

NM_001987.5(ETV6):c.146G>A (p.Arg49His)

Gene: ETV6 (ETS variant transcription factor 6; plus strand). Cytogenetic location: 12p13.2.
Variant type: single nucleotide variant.
Coding change: c.146G>A on transcript NM_001987.5 (MANE Select); coding-DNA position 146, G replaced by A.
Protein change: p.Arg49His; replaces arginine 49 with histidine.
Molecular consequence: missense variant. On other transcripts: intron variant (1).
Genome position (GRCh38, 1-based): chr12:11,752,562, G>A. VCF-style: chr12-11752562-G-A. GRCh37 (hg19) VCF-style: chr12-11905496-G-A.
Other names: c.143G>A, p.Arg48His (NM_001413913.1); c.119G>A, p.Arg40His (NM_001413914.1); c.146G>A, p.Arg49His (NM_001413916.1, NM_001413917.1, NM_001413918.1); c.-101-86578G>A (NM_001413915.1); short protein forms R40H, R48H, R49H.
Identifiers: ClinVar variation 2681262 (VCV002681262.4), dbSNP rs1007158603.

ClinVar aggregate classification (germline): Conflicting classifications of pathogenicity. Review status: criteria provided, conflicting classifications (1 of 4 stars). 3 submissions from 3 submitters: Uncertain significance (1); Likely benign (1). 1 of the submissions does not count toward it. Last evaluated 2025-11-17.

Conditions:
EBV-positive nodal T- and NK-cell lymphoma.
Inborn genetic diseases. Identifiers: MedGen C0950123, MeSH D030342.

Allele frequency attached by ClinVar (database versions not stated): TOPMed below 0.00001; gnomAD 0.00001.
gnomAD v4.1: 10 of 1,612,482 alleles (0.00062%); highest among the groups gnomAD compares: Middle Eastern, 0.034%; no homozygotes.

Submissions (3):

Ambry Genetics
Classification: Likely benign for Inborn genetic diseases. Last evaluated: 2025-11-17. Review status: criteria provided, single submitter. Criteria: Ambry Variant Classification Scheme 2023. Collection method: clinical testing. Allele origin: germline.

Genetic Services Laboratory, University of Chicago
Classification: Uncertain significance. Last evaluated: 2023-04-12. Review status: criteria provided, single submitter. Criteria: ACMG Guidelines, 2015. Collection method: clinical testing. Allele origin: germline. Affected: no.
Comment: DNA sequence analysis of the ETV6 gene demonstrated a sequence change, c.146G>A, in exon 2 that results in an amino acid change, p.Arg49His. This sequence change does not appear to have been previously described in individuals with ETV6-related disorders, however, a different sequence change affecting the same amino acid residue (p.Arg49Cy) has been described in individuals with acute lymphoblastic leukemia (ALL) and acute myeloblastic leukemia (AML) (PMID: 31102422, PMID: 33533142, PMID: 26522332). This sequence change has been described in the gnomAD database with a frequency of 0.00040072% (1 individual) (dbSNP rs1007158603). The p.Arg49His change affects a highly conserved amino acid residue located in a domain of the ETV6 protein that is known to be functional. The p.Arg49His substitution appears to be benign using several in-silico pathogenicity prediction tools (SIFT, PolyPhen2, Align GVGD, REVEL).Due to insufficient evidences and the lack of functional studies, the clinical significance of the p.Arg49His change remains unknown at this time.

Department of Clinical Pathology, School of Medicine, Fujita Health University
Classification: Pathogenic for EBV-positive nodal T- and NK-cell lymphoma. Review status: no assertion criteria provided. Collection method: research. Allele origin: somatic. Affected: yes. Not counted in ClinVar's aggregate classification.